The following is an entry in ClinVar:

NM_000540.3(RYR1):c.2400G>T (p.Lys800Asn)

Gene: RYR1 (ryanodine receptor 1; plus strand). Cytogenetic location: 19q13.2.
Variant type: single nucleotide variant.
Coding change: c.2400G>T on transcript NM_000540.3 (MANE Select); coding-DNA position 2400, G replaced by T.
Protein change: p.Lys800Asn; replaces lysine 800 with asparagine.
Molecular consequence: missense variant.
Genome position (GRCh38, 1-based): chr19:38,460,414, G>T. VCF-style: chr19-38460414-G-T. GRCh37 (hg19) VCF-style: chr19-38951054-G-T.
Other names: c.2400G>T, p.Lys800Asn (NM_001042723.2); short protein forms K800N.
Identifiers: ClinVar variation 1008831 (VCV001008831.8), dbSNP rs1967664475, ClinGen allele CA405628778.

ClinVar aggregate classification (germline): Uncertain significance (1 of 4 stars; one submission).

Conditions:
RYR1-related disorder. Also called: RYR1-related condition; RYR1-related disorders. Identifiers: MedGen CN239331.

Allele frequency attached by ClinVar (database versions not stated): gnomAD 0.00001.

Submission:

Labcorp Genetics (formerly Invitae), Labcorp
Classification: Uncertain significance for RYR1-related disorder. Last evaluated: 2022-11-01. Review status: criteria provided, single submitter. Criteria: Invitae Variant Classification Sherloc (09022015). Collection method: clinical testing. Allele origin: germline.
Comment: In summary, the available evidence is currently insufficient to determine the role of this variant in disease. Therefore, it has been classified as a Variant of Uncertain Significance. Advanced modeling of protein sequence and biophysical properties (such as structural, functional, and spatial information, amino acid conservation, physicochemical variation, residue mobility, and thermodynamic stability) performed at Invitae indicates that this missense variant is expected to disrupt RYR1 protein function. ClinVar contains an entry for this variant (Variation ID: 1008831). This variant has not been reported in the literature in individuals affected with RYR1-related conditions. This variant is not present in population databases (gnomAD no frequency). This sequence change replaces lysine, which is basic and polar, with asparagine, which is neutral and polar, at codon 800 of the RYR1 protein (p.Lys800Asn).